The following is an entry in ClinVar:

ClinVar aggregate classification (germline): Uncertain significance (1 of 4 stars; one submission).

gnomAD v4.1: 1 of 1,609,852 alleles (0.000062%); highest among the groups gnomAD compares: Non-Finnish European, 0.000085%; no homozygotes.

Submission:

Labcorp Genetics (formerly Invitae), Labcorp
Classification: Uncertain significance. Last evaluated: 2025-09-10. Review status: criteria provided, single submitter. Criteria: Invitae Variant Classification Sherloc (09022015). Collection method: clinical testing. Allele origin: germline.
Comment: This sequence change affects codon 656 of the DNA2 mRNA. It is a 'silent' change, meaning that it does not change the encoded amino acid sequence of the DNA2 protein. This variant is present in population databases (no rsID available, gnomAD 0.007%). This variant has not been reported in the literature in individuals affected with DNA2-related conditions. Algorithms developed to predict the effect of sequence changes on RNA splicing suggest that this variant may create or strengthen a splice site. In summary, the available evidence is currently insufficient to determine the role of this variant in disease. Therefore, it has been classified as a Variant of Uncertain Significance.

NM_001080449.3(DNA2):c.1968T>G (p.Thr656=)

Gene: DNA2 (DNA replication helicase/nuclease 2; minus strand). Cytogenetic location: 10q21.3.
Variant type: single nucleotide variant.
Coding change: c.1968T>G on transcript NM_001080449.3 (MANE Select); coding-DNA position 1968, T replaced by G.
Protein change: p.Thr656=; no amino-acid change (threonine 656 retained).
Molecular consequence: synonymous variant. On other transcripts: non-coding transcript variant (1).
Genome position (GRCh38, 1-based): chr10:68,431,877, A>C on the plus strand (T>G on the coding strand, the complement: DNA2 is on the minus strand). VCF-style: chr10-68431877-A-C. GRCh37 (hg19) VCF-style: chr10-70191634-A-C.
Identifiers: ClinVar variation 4726944 (VCV004726944.1).